The following is an entry in ClinVar:

NM_004817.4(TJP2):c.215G>C (p.Gly72Ala)

Gene: TJP2 (tight junction protein 2; plus strand). Cytogenetic location: 9q21.11.
Variant type: single nucleotide variant.
Coding change: c.215G>C on transcript NM_004817.4 (MANE Select); coding-DNA position 215, G replaced by C.
Protein change: p.Gly72Ala; replaces glycine 72 with alanine.
Molecular consequence: missense variant.
Genome position (GRCh38, 1-based): chr9:69,216,439, G>C. VCF-style: chr9-69216439-G-C. GRCh37 (hg19) VCF-style: chr9-71831355-G-C.
Other names: c.146G>C, p.Gly49Ala (NM_001170414.2, NM_001369870.1, NM_001369871.1); c.227G>C, p.Gly76Ala (NM_001170415.1, NM_001369874.1, NM_001369875.1); c.308G>C, p.Gly103Ala (NM_001170416.2); c.215G>C, p.Gly72Ala (NM_001369872.1, NM_001369873.1, NM_201629.3 and 1 more transcripts); short protein forms G72A, G76A, G103A, G49A.
Identifiers: ClinVar variation 502801 (VCV000502801.10), dbSNP rs747848974, ClinGen allele CA5072934.

ClinVar aggregate classification (germline): Uncertain significance. Review status: criteria provided, multiple submitters, no conflicts (2 of 4 stars). 2 submissions from 2 submitters: Uncertain significance (2). Last evaluated 2023-07-17.

Allele frequency attached by ClinVar (database versions not stated): gnomAD 0.00001; TOPMed 0.00002; ExAC 0.00004; gnomAD exomes 0.00007.
gnomAD v4.1: 18 of 1,614,036 alleles (0.0011%); highest among the groups gnomAD compares: Admixed American, 0.03%; no homozygotes.

Submissions (2):

Labcorp Genetics (formerly Invitae), Labcorp
Classification: Uncertain significance. Last evaluated: 2023-07-17. Review status: criteria provided, single submitter. Criteria: Invitae Variant Classification Sherloc (09022015). Collection method: clinical testing. Allele origin: germline.
Comment: In summary, the available evidence is currently insufficient to determine the role of this variant in disease. Therefore, it has been classified as a Variant of Uncertain Significance. Advanced modeling of protein sequence and biophysical properties (such as structural, functional, and spatial information, amino acid conservation, physicochemical variation, residue mobility, and thermodynamic stability) has been performed at Invitae for this missense variant, however the output from this modeling did not meet the statistical confidence thresholds required to predict the impact of this variant on TJP2 protein function. ClinVar contains an entry for this variant (Variation ID: 502801). This variant has not been reported in the literature in individuals affected with TJP2-related conditions. This variant is present in population databases (rs747848974, gnomAD 0.05%). This sequence change replaces glycine, which is neutral and non-polar, with alanine, which is neutral and non-polar, at codon 72 of the TJP2 protein (p.Gly72Ala).

Eurofins Ntd Llc (ga)
Classification: Uncertain significance. Last evaluated: 2017-06-30. Review status: criteria provided, single submitter. Criteria: EGL Classification Definitions 2015. Collection method: clinical testing. Allele origin: germline. Observed: 1 variant allele, 1 heterozygote.